The following is an entry in ClinVar:

NM_006267.5(RANBP2):c.72+1G>T

Gene: RANBP2 (RAN binding protein 2; plus strand). Cytogenetic location: 2q13.
Variant type: single nucleotide variant.
Coding change: c.72+1G>T on transcript NM_006267.5 (MANE Select); the canonical splice donor site of the intron after coding-DNA position 72, G replaced by T.
Molecular consequence: splice donor variant.
Genome position (GRCh38, 1-based): chr2:108,719,679, G>T. VCF-style: chr2-108719679-G-T. GRCh37 (hg19) VCF-style: chr2-109336135-G-T.
Other names: c.72+1G>T (NM_001415871.1, NM_001415873.1, NM_001415872.1).
Identifiers: ClinVar variation 4796640 (VCV004796640.1).
Genomic context (GRCh38, chr2:108,719,679, plus strand): 5'-AAGGCTGACGTGGAGCGGTACATCGCCTCGGTGCAGGGCTCCACCCCGTCGCCTCGACAG[G>T]TGAGTGGGTCTCGAAGAGACCGACGGCCTCGACCTGGCCGGGCGGCGGCCTCGCGCTGCT-3'

ClinVar aggregate classification (germline): Uncertain significance (1 of 4 stars; one submission).

Submission:

GeneDx
Classification: Uncertain significance. Last evaluated: 2025-08-21. Review status: criteria provided, single submitter. Criteria: GeneDx Variant Classification Process June 2021. Collection method: clinical testing. Allele origin: germline. Affected: yes.
Comment: Not observed at significant frequency in large population cohorts (gnomAD); Canonical splice site variant in a gene or region of a gene for which loss of function is not a well-established mechanism of disease; Has not been previously published as pathogenic or benign to our knowledge